The following is an entry in ClinVar:

ClinVar aggregate classification (germline): Uncertain significance. Review status: criteria provided, multiple submitters, no conflicts (2 of 4 stars). 2 submissions from 2 submitters: Uncertain significance (2). Last evaluated 2021-08-25.

Conditions:
Long QT syndrome 5 (LQT5). Identifiers: Orphanet 101016, Orphanet 768, MedGen C1867904, MONDO:0013372, OMIM 613695.
Jervell and Lange-Nielsen syndrome 2 (JLNS2). Identifiers: Orphanet 768, Orphanet 90647, MedGen C2676723, MONDO:0012871, OMIM 612347.

Allele frequency attached by ClinVar (database versions not stated): TOPMed below 0.00001; gnomAD exomes 0.00001; gnomAD 0.00003.

Submissions (3):

Fulgent Genetics
Classification: Uncertain significance for Jervell and Lange-Nielsen syndrome 2; Long QT syndrome 5. Last evaluated: 2021-08-25. Review status: criteria provided, single submitter. Criteria: ACMG Guidelines, 2015. Collection method: clinical testing. Allele origin: unknown.

Biesecker Lab/Clinical Genomics Section, National Institutes of Health
Classification: Uncertain significance. Last evaluated: 2013-06-24. Review status: criteria provided, single submitter. Criteria: Ng et al. (Circ Cardiovasc Genet. 2013). Collection method: research. Allele origin: unknown. Observed: 1 variant allele. Study: ClinSeq.
Comment: The study set was not selected for affection status in relation to any cancer. Pathogenicity categories were based on literature curation. See Pubmed ID:23861362 for details.

Medical sequencing

Roden Lab, Vanderbilt University Medical Center
No classification provided (evidence only). Condition: Long QT syndrome 5. Review status: no classification provided. Collection method: in vitro. Allele origin: not applicable. Functional consequence: Effect on ion channel function. Not counted in ClinVar's aggregate classification.
ClinVar note: "not provided" was previously submitted as the classification for the variant. However, the classification appeared to be based only on an observation of functional data so it was converted to no classification on 2025-07-30.

NM_000219.6(KCNE1):c.109A>G (p.Ser37Gly)

Gene: KCNE1 (potassium voltage-gated channel subfamily E regulatory subunit 1; minus strand). Cytogenetic location: 21q22.12.
Variant type: single nucleotide variant.
Coding change: c.109A>G on transcript NM_000219.6 (MANE Select); coding-DNA position 109, A replaced by G.
Protein change: p.Ser37Gly; replaces serine 37 with glycine.
Molecular consequence: missense variant.
Genome position (GRCh38, 1-based): chr21:34,449,526, T>C on the plus strand (A>G on the coding strand, the complement: KCNE1 is on the minus strand). VCF-style: chr21-34449526-T-C. GRCh37 (hg19) VCF-style: chr21-35821824-T-C.
Other names: c.109A>G, p.Ser37Gly (NM_001127668.4, NM_001127669.4, NM_001127670.4 and 4 more transcripts); short protein forms S37G.
Identifiers: ClinVar variation 191465 (VCV000191465.4), dbSNP rs202036483, ClinGen allele CA236723.